The following is an entry in ClinVar:

ClinVar aggregate classification (germline): Conflicting classifications of pathogenicity. Review status: criteria provided, conflicting classifications (1 of 4 stars). 2 submissions from 2 submitters: Pathogenic (1); Uncertain significance (1). Last evaluated 2026-03-12.

Submissions (2):

GeneDx
Classification: Pathogenic. Last evaluated: 2026-03-12. Review status: criteria provided, single submitter. Criteria: GeneDx Variant Classification Process June 2021. Collection method: clinical testing. Allele origin: germline.
Comment: Not observed at significant frequency in large population cohorts (gnomAD); In silico analysis supports that this missense variant has a deleterious effect on protein structure/function; Has not been previously published as pathogenic or benign to our knowledge; This variant is associated with the following publications: (PMID: 27311832)

Eurofins Ntd Llc (ga)
Classification: Uncertain significance. Last evaluated: 2014-05-27. Review status: criteria provided, single submitter. Criteria: EGL Classification Definitions 2015. Collection method: clinical testing. Allele origin: germline. Observed: 1 variant allele, 1 heterozygote.

NM_004380.3(CREBBP):c.5168G>A (p.Cys1723Tyr)

Gene: CREBBP (CREB binding lysine acetyltransferase; minus strand). Cytogenetic location: 16p13.3.
Variant type: single nucleotide variant.
Coding change: c.5168G>A on transcript NM_004380.3 (MANE Select); coding-DNA position 5168, G replaced by A.
Protein change: p.Cys1723Tyr; replaces cysteine 1723 with tyrosine.
Molecular consequence: missense variant.
Genome position (GRCh38, 1-based): chr16:3,731,196, C>T on the plus strand (G>A on the coding strand, the complement: CREBBP is on the minus strand). VCF-style: chr16-3731196-C-T. GRCh37 (hg19) VCF-style: chr16-3781197-C-T.
Other names: c.5054G>A, p.Cys1685Tyr (NM_001079846.1); c.5168G>A (NM_004380.2); short protein forms C1723Y, C1685Y.
Identifiers: ClinVar variation 196627 (VCV000196627.6), dbSNP rs794727535, ClinGen allele CA243645.